The following is an entry in ClinVar:

ClinVar aggregate classification (germline): Uncertain significance. Review status: criteria provided, multiple submitters, no conflicts (2 of 4 stars). 2 submissions from 2 submitters: Uncertain significance (2). Last evaluated 2025-08-03.

Conditions:
Inborn genetic diseases. Identifiers: MedGen C0950123, MeSH D030342.
Mendelian susceptibility to mycobacterial diseases due to complete IL12RB1 deficiency. Also called: Immunodeficiency 30; IL12RB1 DEFICIENCY. Identifiers: Orphanet 319552, MedGen C4013949, MONDO:0013955, OMIM 614891.

Allele frequency attached by ClinVar (database versions not stated): ExAC 0.00006; TOPMed 0.00006; gnomAD 0.00004 and 0.00005; gnomAD exomes 0.00004.
gnomAD v4.1: 181 of 1,613,062 alleles (0.011%); highest among the groups gnomAD compares: Non-Finnish European, 0.014%; no homozygotes.

Submissions (2):

Ambry Genetics
Classification: Uncertain significance for Inborn genetic diseases. Last evaluated: 2025-08-03. Review status: criteria provided, single submitter. Criteria: Ambry Variant Classification Scheme 2023. Collection method: clinical testing. Allele origin: germline.

Labcorp Genetics (formerly Invitae), Labcorp
Classification: Uncertain significance for Mendelian susceptibility to mycobacterial diseases due to complete IL12RB1 deficiency. Last evaluated: 2022-06-27. Review status: criteria provided, single submitter. Criteria: Invitae Variant Classification Sherloc (09022015). Collection method: clinical testing. Allele origin: germline.
Comment: This sequence change replaces valine, which is neutral and non-polar, with leucine, which is neutral and non-polar, at codon 245 of the IL12RB1 protein (p.Val245Leu). This variant is present in population databases (rs771248620, gnomAD 0.007%). This variant has not been reported in the literature in individuals affected with IL12RB1-related conditions. ClinVar contains an entry for this variant (Variation ID: 654513). Algorithms developed to predict the effect of missense changes on protein structure and function output the following: SIFT: "Tolerated"; PolyPhen-2: "Benign"; Align-GVGD: "Class C0". The leucine amino acid residue is found in multiple mammalian species, which suggests that this missense change does not adversely affect protein function. In summary, the available evidence is currently insufficient to determine the role of this variant in disease. Therefore, it has been classified as a Variant of Uncertain Significance.

NM_005535.3(IL12RB1):c.733G>T (p.Val245Leu)

Gene: IL12RB1 (interleukin 12 receptor subunit beta 1; minus strand). Cytogenetic location: 19p13.11.
Variant type: single nucleotide variant.
Coding change: c.733G>T on transcript NM_005535.3 (MANE Select); coding-DNA position 733, G replaced by T.
Protein change: p.Val245Leu; replaces valine 245 with leucine.
Molecular consequence: missense variant.
Genome position (GRCh38, 1-based): chr19:18,073,567, C>A on the plus strand (G>T on the coding strand, the complement: IL12RB1 is on the minus strand). VCF-style: chr19-18073567-C-A. GRCh37 (hg19) VCF-style: chr19-18184377-C-A.
Other names: c.733G>T, p.Val245Leu (NM_001290023.2, NM_153701.3); c.853G>T, p.Val285Leu (NM_001290024.2); short protein forms V285L, V245L.
Identifiers: ClinVar variation 654513 (VCV000654513.10), dbSNP rs771248620, ClinGen allele CA9305086.
Genomic context (GRCh38, chr19:18,073,567, plus strand): 5'-GCCCCGTTACCTGCTCTTTCAGGGTCAGCCGCCTCCTCCCATCCTGGCCCAGCTGCTCCA[C>A]CGAGAATCTCACCTGAGGCTGTGGGGGGTTTTCTGCAATCAGAACCAAACCAACTAGACG-3'
Protein context (NP_005526.1, residues 235-255): NPPQPQVRFS[Val245Leu]EQLGQDGRRR